The following is an entry in ClinVar:

NM_001042492.3(NF1):c.1322A>G (p.Asn441Ser)

Gene: NF1 (neurofibromin 1; plus strand). Cytogenetic location: 17q11.2.
Variant type: single nucleotide variant.
Coding change: c.1322A>G on transcript NM_001042492.3 (MANE Select); coding-DNA position 1322, A replaced by G.
Protein change: p.Asn441Ser; replaces asparagine 441 with serine.
Molecular consequence: missense variant.
Genome position (GRCh38, 1-based): chr17:31,206,301, A>G. VCF-style: chr17-31206301-A-G. GRCh37 (hg19) VCF-style: chr17-29533319-A-G.
Other names: c.1322A>G, p.Asn441Ser (NM_001128147.3, NM_000267.4); short protein forms N441S.
Identifiers: ClinVar variation 997877 (VCV000997877.4), dbSNP rs370020114, ClinGen allele CA289352311.

ClinVar aggregate classification (germline): Conflicting classifications of pathogenicity. Review status: criteria provided, conflicting classifications (1 of 4 stars). 3 submissions from 3 submitters: Uncertain significance (2); Likely benign (1). Last evaluated 2026-06-03.

Conditions:
Cardiovascular phenotype. Identifiers: MedGen CN230736.
Hereditary cancer-predisposing syndrome. Also called: Hereditary Cancer Syndrome; Neoplastic Syndromes, Hereditary; Tumor predisposition; Hereditary neoplastic syndrome. Identifiers: Orphanet 140162, MedGen C0027672, MeSH D009386, MONDO:0015356.
Juvenile myelomonocytic leukemia (JMML). Also called: LEUKEMIA, JUVENILE MYELOMONOCYTIC, SOMATIC. Identifiers: Orphanet 86834, MedGen C0349639, MONDO:0011908, OMIM 607785, HP:0012209.

Submissions (3):

Ambry Genetics
Classification: Likely benign for Cardiovascular phenotype; Hereditary cancer-predisposing syndrome. Last evaluated: 2026-06-03. Review status: criteria provided, single submitter. Criteria: Ambry Variant Classification Scheme 2023. Collection method: clinical testing. Allele origin: germline.

Baylor Genetics
Classification: Uncertain significance for Juvenile myelomonocytic leukemia. Last evaluated: 2023-06-16. Review status: criteria provided, single submitter. Criteria: ACMG Guidelines, 2015. Collection method: clinical testing. Allele origin: unknown.

Women's Health and Genetics/Laboratory Corporation of America, LabCorp
Classification: Uncertain significance. Last evaluated: 2021-02-12. Review status: criteria provided, single submitter. Criteria: LabCorp Variant Classification Summary - May 2015. Collection method: clinical testing. Allele origin: germline.
Comment: Variant summary: NF1 c.1322A>G (p.Asn441Ser) results in a conservative amino acid change in the encoded protein sequence. Five of five in-silico tools predict a benign effect of the variant on protein function. The variant was absent in 251416 control chromosomes (gnomAD). The available data on variant occurrences in the general population are insufficient to allow any conclusion about variant significance. To our knowledge, no occurrence of c.1322A>G in individuals affected with Neurofibromatosis Type 1 and no experimental evidence demonstrating its impact on protein function have been reported. No clinical diagnostic laboratories have submitted clinical-significance assessments for this variant to ClinVar after 2014. Based on the evidence outlined above, the variant was classified as uncertain significance.